The following is an entry in ClinVar:

NM_000141.5(FGFR2):c.671C>G (p.Ser224Cys)

Gene: FGFR2 (fibroblast growth factor receptor 2; minus strand). Cytogenetic location: 10q26.13.
Variant type: single nucleotide variant.
Coding change: c.671C>G on transcript NM_000141.5 (MANE Select); coding-DNA position 671, C replaced by G.
Protein change: p.Ser224Cys; replaces serine 224 with cysteine.
Molecular consequence: missense variant. On other transcripts: non-coding transcript variant (1).
Genome position (GRCh38, 1-based): chr10:121,538,669, G>C on the plus strand (C>G on the coding strand, the complement: FGFR2 is on the minus strand). VCF-style: chr10-121538669-G-C. GRCh37 (hg19) VCF-style: chr10-123298183-G-C.
Other names: c.671C>G, p.Ser224Cys (NM_001144913.1, NM_001144914.1, NM_001144917.2 and 2 more transcripts); c.404C>G, p.Ser135Cys (NM_001144915.2, NM_001144919.2, NM_023029.3); c.326C>G, p.Ser109Cys (NM_001144916.2, NM_001144918.2); short protein forms S109C, S135C, S224C.
Identifiers: ClinVar variation 1318689 (VCV001318689.2), dbSNP rs2134606046, ClinGen allele CA378332473.

ClinVar aggregate classification (germline): Uncertain significance (1 of 4 stars; one submission).

Submission:

GeneDx
Classification: Uncertain significance. Last evaluated: 2020-01-14. Review status: criteria provided, single submitter. Criteria: GeneDx Variant Classification Process June 2021. Collection method: clinical testing. Allele origin: germline. Affected: yes.
Comment: Not observed in large population cohorts (Lek et al., 2016); In silico analysis, which includes protein predictors and evolutionary conservation, supports a deleterious effect; Has not been previously published as pathogenic or benign to our knowledge